The following is an entry in ClinVar:

NM_000059.4(BRCA2):c.5947G>T (p.Gly1983Ter)

Gene: BRCA2 (BRCA2 DNA repair associated; plus strand). Cytogenetic location: 13q13.1.
Variant type: single nucleotide variant.
Coding change: c.5947G>T on transcript NM_000059.4 (MANE Select); coding-DNA position 5947, G replaced by T.
Protein change: p.Gly1983Ter; replaces glycine 1983 with a stop codon.
Molecular consequence: nonsense.
Genome position (GRCh38, 1-based): chr13:32,340,302, G>T. VCF-style: chr13-32340302-G-T. GRCh37 (hg19) VCF-style: chr13-32914439-G-T.
Other names: c.5947G>T (NM_000059.3); short protein forms G1983*.
Identifiers: ClinVar variation 1073939 (VCV001073939.8), dbSNP rs1555284478, ClinGen allele CA387787580.

ClinVar aggregate classification (germline): Pathogenic. Review status: criteria provided, multiple submitters, no conflicts (2 of 4 stars). 2 submissions from 2 submitters: Pathogenic (2). Last evaluated 2024-05-08.

Conditions:
Hereditary cancer-predisposing syndrome. Also called: Tumor predisposition; Hereditary neoplastic syndrome; Neoplastic Syndromes, Hereditary; Hereditary Cancer Syndrome. Identifiers: Orphanet 140162, MedGen C0027672, MeSH D009386, MONDO:0015356.
Hereditary breast ovarian cancer syndrome. Also called: Hereditary breast and ovarian cancer syndrome (HBOC); Hereditary breast and/or ovarian cancer syndrome; Hereditary breast and ovarian cancer; BRCA1- and BRCA2-Associated Hereditary Breast and Ovarian Cancer; Hereditary breast and ovarian cancer syndrome; Breast and ovarian cancer. Identifiers: Orphanet 145, MedGen C0677776, MeSH D061325, MONDO:0003582. Disease mechanism: loss of function.

Submissions (2):

Ambry Genetics
Classification: Pathogenic for Hereditary cancer-predisposing syndrome. Last evaluated: 2024-05-08. Review status: criteria provided, single submitter. Criteria: Ambry Variant Classification Scheme 2023. Collection method: clinical testing. Allele origin: germline.
Comment: The p.G1983* pathogenic mutation (also known as c.5947G>T), located in coding exon 10 of the BRCA2 gene, results from a G to T substitution at nucleotide position 5947. This changes the amino acid from a glycine to a stop codon within coding exon 10. This alteration is expected to result in loss of function by premature protein truncation or nonsense-mediated mRNA decay. As such, this alteration is interpreted as a disease-causing mutation.

Labcorp Genetics (formerly Invitae), Labcorp
Classification: Pathogenic for Hereditary breast ovarian cancer syndrome. Last evaluated: 2020-12-23. Review status: criteria provided, single submitter. Criteria: Invitae Variant Classification Sherloc (09022015). Collection method: clinical testing. Allele origin: germline.
Comment: For these reasons, this variant has been classified as Pathogenic. This variant has not been reported in the literature in individuals with BRCA2-related conditions. This variant is not present in population databases (ExAC no frequency). This sequence change creates a premature translational stop signal (p.Gly1983*) in the BRCA2 gene. It is expected to result in an absent or disrupted protein product. Loss-of-function variants in BRCA2 are known to be pathogenic (PMID: 20104584).

Literature cited by the submitters: PubMed 20104584 (cited by Labcorp Genetics (formerly Invitae), Labcorp).